The following is an entry in ClinVar:

NM_005188.4(CBL):c.577G>A (p.Ala193Thr)

Gene: CBL (Cbl proto-oncogene; plus strand). Cytogenetic location: 11q23.3.
Variant type: single nucleotide variant.
Coding change: c.577G>A on transcript NM_005188.4 (MANE Select); coding-DNA position 577, G replaced by A.
Protein change: p.Ala193Thr; replaces alanine 193 with threonine.
Molecular consequence: missense variant.
Genome position (GRCh38, 1-based): chr11:119,271,868, G>A. VCF-style: chr11-119271868-G-A. GRCh37 (hg19) VCF-style: chr11-119142578-G-A.
Other names: short protein forms A193T.
Identifiers: ClinVar variation 4613843 (VCV004613843.1).

ClinVar aggregate classification (germline): Uncertain significance (1 of 4 stars; one submission).

Conditions:
Cardiovascular phenotype. Identifiers: MedGen CN230736.

gnomAD v4.1: 7 of 1,613,956 alleles (0.00043%); highest among the groups gnomAD compares: Non-Finnish European, 0.00059%; no homozygotes.

Submission:

Ambry Genetics
Classification: Uncertain significance for Cardiovascular phenotype. Last evaluated: 2025-10-22. Review status: criteria provided, single submitter. Criteria: Ambry Variant Classification Scheme 2023. Collection method: clinical testing. Allele origin: germline.
Comment: The p.A193T variant (also known as c.577G>A), located in coding exon 3 of the CBL gene, results from a G to A substitution at nucleotide position 577. The alanine at codon 193 is replaced by threonine, an amino acid with similar properties. This amino acid position is conserved. In addition, the in silico prediction for this alteration is inconclusive. Based on the available evidence, the clinical significance of this variant remains unclear.